The following is an entry in ClinVar:

ClinVar aggregate classification (germline): Uncertain significance (1 of 4 stars; one submission).

gnomAD v4.1: 10 of 1,614,100 alleles (0.00062%); highest among the groups gnomAD compares: East Asian, 0.0022%; no homozygotes.

Submission:

Labcorp Genetics (formerly Invitae), Labcorp
Classification: Uncertain significance. Last evaluated: 2024-06-17. Review status: criteria provided, single submitter. Criteria: Invitae Variant Classification Sherloc (09022015). Collection method: clinical testing. Allele origin: germline.
Comment: This sequence change replaces arginine, which is basic and polar, with tryptophan, which is neutral and slightly polar, at codon 451 of the KIF20A protein (p.Arg451Trp). This variant is not present in population databases (gnomAD no frequency). This variant has not been reported in the literature in individuals affected with KIF20A-related conditions. An algorithm developed to predict the effect of missense changes on protein structure and function (PolyPhen-2) suggests that this variant is likely to be disruptive. In summary, the available evidence is currently insufficient to determine the role of this variant in disease. Therefore, it has been classified as a Variant of Uncertain Significance.

NM_005733.3(KIF20A):c.1351C>T (p.Arg451Trp)

Gene: KIF20A (kinesin family member 20A; plus strand). Cytogenetic location: 5q31.2.
Variant type: single nucleotide variant.
Coding change: c.1351C>T on transcript NM_005733.3 (MANE Select); coding-DNA position 1351, C replaced by T.
Protein change: p.Arg451Trp; replaces arginine 451 with tryptophan.
Molecular consequence: missense variant.
Genome position (GRCh38, 1-based): chr5:138,184,104, C>T. VCF-style: chr5-138184104-C-T. GRCh37 (hg19) VCF-style: chr5-137519793-C-T.
Other names: short protein forms R451W.
Identifiers: ClinVar variation 3603749 (VCV003603749.2).
Genomic context (GRCh38, chr5:138,184,104, plus strand): 5'-AACACCTCTCTACACACCCTGGGCCGCTGTATTGCTGCCCTTCGTCAAAACCAGCAGAAC[C>T]GGTGAGCTTTTGACTATAATTCCTGGGCTCTGCAATTTGCTAAGAGACTTCCTGGACACC-3'
Protein context (NP_005724.1, residues 441-461): IAALRQNQQN[Arg451Trp]SKQNLVPFRD